The following is an entry in ClinVar:

NM_006852.6(TLK2):c.784C>T (p.Arg262Ter)

Gene: TLK2 (tousled like kinase 2; plus strand). Cytogenetic location: 17q23.2.
Variant type: single nucleotide variant.
Coding change: c.784C>T on transcript NM_006852.6 (MANE Select); coding-DNA position 784, C replaced by T.
Protein change: p.Arg262Ter; replaces arginine 262 with a stop codon.
Molecular consequence: nonsense.
Genome position (GRCh38, 1-based): chr17:62,560,079, C>T. VCF-style: chr17-62560079-C-T. GRCh37 (hg19) VCF-style: chr17-60637440-C-T.
Other names: c.784C>T, p.Arg262Ter (NM_001284333.3, NM_001375270.1, NM_001375271.1); c.688C>T, p.Arg230Ter (NM_001284363.1, NM_001375272.1); c.337C>T, p.Arg113Ter (NM_001330418.3, NM_001375273.1); c.826C>T, p.Arg276Ter (NM_001375269.1); short protein forms R113*, R230*, R262*, R276*.
Identifiers: ClinVar variation 617919 (VCV000617919.38), dbSNP rs1567920209, ClinGen allele CA400498050.

ClinVar aggregate classification (germline): Pathogenic. Review status: criteria provided, multiple submitters, no conflicts (2 of 4 stars). 4 submissions from 4 submitters: Pathogenic (4). Last evaluated 2023-05-18.

Conditions:
Intellectual developmental disorder, autosomal dominant 57. Also called: MENTAL RETARDATION, AUTOSOMAL DOMINANT 57; Intellectual disability, autosomal dominant 57. Identifiers: MedGen C4748003, MONDO:0054837, OMIM 618050.

Submissions (4):

GeneDx
Classification: Pathogenic. Last evaluated: 2023-05-18. Review status: criteria provided, single submitter. Criteria: GeneDx Variant Classification Process June 2021. Collection method: clinical testing. Allele origin: germline. Affected: yes.
Comment: Nonsense variant predicted to result in protein truncation or nonsense mediated decay in a gene for which loss of function is a known mechanism of disease; Not observed at significant frequency in large population cohorts (gnomAD); This variant is associated with the following publications: (PMID: 29861108)

CeGaT Center for Human Genetics Tuebingen
Classification: Pathogenic. Last evaluated: 2021-11-01. Review status: criteria provided, single submitter. Criteria: CeGaT Center For Human Genetics Tuebingen Variant Classification Criteria Version 2. Collection method: clinical testing. Allele origin: germline. Affected: yes. Observed: 1 variant allele.

SIB Swiss Institute of Bioinformatics
Classification: Pathogenic for Intellectual developmental disorder, autosomal dominant 57. Last evaluated: 2018-10-15. Review status: criteria provided, single submitter. Criteria: ACMG Guidelines, 2015. Collection method: curation. Allele origin: unknown.
Comment: This variant is interpreted as Pathogenic, for Mental retardation, autosomal dominant 57. The following ACMG Tag(s) were applied: PM2 => Absent from controls (or at extremely low frequency if recessive) in Exome Sequencing Project, 1000 Genomes Project, or Exome Aggregation Consortium. PVS1 => Predicted nullvariant in a gene where LOF is a known mechanism of disease (PubMed 29861108). PM6 => Assumed de novo, but without confirmation of paternity and maternity (PubMed 29861108).

3billion
Classification: Pathogenic for Intellectual developmental disorder, autosomal dominant 57. Review status: criteria provided, single submitter. Criteria: ACMG Guidelines, 2015. Collection method: clinical testing. Allele origin: unknown. Affected: yes. Observed: 1 heterozygote.
Comment: The variant is not observed in the gnomAD v2.1.1 dataset. The variant is predicted to result in a loss or disruption of normal protein function through nonsense-mediated decay (NMD) or protein truncation. Multiple pathogenic variants are reported downstream of the variant. The variant has been previously reported as de novo in a similarly affected individual (PMID: 29861108). The variant has been reported at least twice as pathogenic with clinical assertions and evidence for the classification (ClinVar ID: VCV000617919 / PMID: 29861108). Therefore, this variant is classified as Pathogenic according to the recommendation of ACMG/AMP guideline.

Literature cited by the submitters: PubMed 29861108 (cited by SIB Swiss Institute of Bioinformatics and 3billion).